The following is an entry in ClinVar:

NM_000051.4(ATM):c.4392del (p.Leu1465fs)

Gene: ATM (ATM serine/threonine kinase; plus strand). Cytogenetic location: 11q22.3.
Variant type: Deletion.
Coding change: c.4392del on transcript NM_000051.4 (MANE Select); coding-DNA position 4392, one base deleted (T; older notation c.4392delT).
Protein change: p.Leu1465fs; shifts the reading frame from leucine 1465.
Molecular consequence: frameshift variant.
Genome position (GRCh38, 1-based): chr11:108,289,757, T deleted; the last of 2 consecutive T bases (chr11:108,289,756-108,289,757); deleting either gives the same sequence. VCF-style (leftmost placement, unchanged base first): chr11-108289755-GT-G. GRCh37 (hg19) VCF-style: chr11-108160482-GT-G.
Other names: c.4392del, p.Leu1465fs (NM_001351834.2); short protein forms L1465fs.
Identifiers: ClinVar variation 4719553 (VCV004719553.1).
Genomic context (GRCh38, chr11:108,289,755, plus strand): 5'-CTGTTTGTTAGTTTATTACTGAAAGATATAAAAAGTGGCTTAGGAGGAGCTTGGGCCTTT[GT>G]TCTTCGAGACGTTATTTATACTTTGATTCACTATATCAACCAAAGGTAAATAACATATTT-3'

ClinVar aggregate classification (germline): Pathogenic (1 of 4 stars; one submission).

Conditions:
Ataxia-telangiectasia syndrome (AT). Also called: ATAXIA-TELANGIECTASIA, COMPLEMENTATION GROUP A; ATAXIA-TELANGIECTASIA, FRESNO VARIANT; Ataxia-telangiectasia; LOUIS-BAR SYNDROME; Cerebello-oculocutaneous telangiectasia; Immunodeficiency with ataxia telangiectasia. Identifiers: Orphanet 100, MedGen C0004135, MONDO:0008840, OMIM 208900.

Submission:

Labcorp Genetics (formerly Invitae), Labcorp
Classification: Pathogenic for Ataxia-telangiectasia syndrome. Last evaluated: 2025-05-14. Review status: criteria provided, single submitter. Criteria: Invitae Variant Classification Sherloc (09022015). Collection method: clinical testing. Allele origin: germline.
Comment: This sequence change creates a premature translational stop signal (p.Leu1465Phefs*8) in the ATM gene. It is expected to result in an absent or disrupted protein product. Loss-of-function variants in ATM are known to be pathogenic (PMID: 23807571, 25614872). This variant is not present in population databases (gnomAD no frequency). This variant has not been reported in the literature in individuals affected with ATM-related conditions. For these reasons, this variant has been classified as Pathogenic.

Literature cited by the submitters: PubMed 23807571; PubMed 25614872.